The following is an entry in ClinVar:

NM_000170.3(GLDC):c.2390T>G (p.Val797Gly)

Gene: GLDC (glycine decarboxylase; minus strand). Cytogenetic location: 9p24.1.
Variant type: single nucleotide variant.
Coding change: c.2390T>G on transcript NM_000170.3 (MANE Select); coding-DNA position 2390, T replaced by G.
Protein change: p.Val797Gly; replaces valine 797 with glycine.
Molecular consequence: missense variant.
Genome position (GRCh38, 1-based): chr9:6,553,435, A>C on the plus strand (T>G on the coding strand, the complement: GLDC is on the minus strand). VCF-style: chr9-6553435-A-C. GRCh37 (hg19) VCF-style: chr9-6553435-A-C.
Other names: short protein forms V797G.
Identifiers: ClinVar variation 1713517 (VCV001713517.6), dbSNP rs2489031807, ClinGen allele CA372878511.
Genomic context (GRCh38, chr9:6,553,435, plus strand): 5'-TAAGCCCAGGAAATGGGCAAGATGGAACTGGAGCCCCATGGGGCCGCACTGACGGTTCCC[A>C]CAGGACAGGCATCCTCATTCCGCTTTAGTGAAATGACGGGATGATTGGGCAAAAACGGGG-3'
Protein context (NP_000161.2, residues 787-807): SLKRNEDACP[Val797Gly]GTVSAAPWGS

ClinVar aggregate classification (germline): Uncertain significance (1 of 4 stars; one submission).

Conditions:
Glycine encephalopathy. Also called: Non-ketotic hyperglycinemia; Nonketotic hyperglycinemia. Identifiers: Orphanet 407, MedGen C0751748, MONDO:0011612, HP:0008288.

Submission:

Labcorp Genetics (formerly Invitae), Labcorp
Classification: Uncertain significance for Glycine encephalopathy. Last evaluated: 2022-09-01. Review status: criteria provided, single submitter. Criteria: Invitae Variant Classification Sherloc (09022015). Collection method: clinical testing. Allele origin: germline.
Comment: This variant is not present in population databases (gnomAD no frequency). This variant has not been reported in the literature in individuals affected with GLDC-related conditions. Advanced modeling of protein sequence and biophysical properties (such as structural, functional, and spatial information, amino acid conservation, physicochemical variation, residue mobility, and thermodynamic stability) performed at Invitae indicates that this missense variant is not expected to disrupt GLDC protein function. In summary, the available evidence is currently insufficient to determine the role of this variant in disease. Therefore, it has been classified as a Variant of Uncertain Significance. This sequence change replaces valine, which is neutral and non-polar, with glycine, which is neutral and non-polar, at codon 797 of the GLDC protein (p.Val797Gly).